The following is an entry in ClinVar:

ClinVar aggregate classification (germline): Likely benign. Review status: criteria provided, multiple submitters, no conflicts (2 of 4 stars). 2 submissions from 2 submitters: Likely benign (2). Last evaluated 2025-09-01.

Conditions:
Multiple mitochondrial dysfunctions syndrome 3 (MMDS3). Identifiers: Orphanet 363424, MedGen C3809165, MONDO:0014132, OMIM 615330.
Hereditary spastic paraplegia 74. Also called: Spastic paraplegia 74, autosomal recessive. Identifiers: Orphanet 468661, MedGen C5568837, MONDO:0014644, OMIM 616451.

gnomAD v4.1: 1 of 1,308,030 alleles (0.000076%); no homozygotes.

Submissions (2):

CeGaT Center for Human Genetics Tuebingen
Classification: Likely benign. Last evaluated: 2025-09-01. Review status: criteria provided, single submitter. Criteria: CeGaT Center For Human Genetics Tuebingen Variant Classification Criteria Version 2. Collection method: clinical testing. Allele origin: germline. Affected: yes. Observed: 1 variant allele.
Comment: IBA57: BP4, BP7

Labcorp Genetics (formerly Invitae), Labcorp
Classification: Likely benign for Multiple mitochondrial dysfunctions syndrome 3; Hereditary spastic paraplegia 74. Last evaluated: 2025-06-09. Review status: criteria provided, single submitter. Criteria: Invitae Variant Classification Sherloc (09022015). Collection method: clinical testing. Allele origin: germline.

NM_001010867.4(IBA57):c.39G>A (p.Gly13=)

Gene: IBA57 (iron-sulfur cluster assembly factor IBA57; plus strand). Cytogenetic location: 1q42.13.
Variant type: single nucleotide variant.
Coding change: c.39G>A on transcript NM_001010867.4 (MANE Select); coding-DNA position 39, G replaced by A.
Protein change: p.Gly13=; no amino-acid change (glycine 13 retained).
Molecular consequence: synonymous variant.
Genome position (GRCh38, 1-based): chr1:228,165,855, G>A. VCF-style: chr1-228165855-G-A. GRCh37 (hg19) VCF-style: chr1-228353556-G-A.
Identifiers: ClinVar variation 2953023 (VCV002953023.10), dbSNP rs2034840072, ClinGen allele CA423739147.